The following is an entry in ClinVar:

ClinVar aggregate classification (germline): Uncertain significance (1 of 4 stars; one submission).

gnomAD v4.1: 1 of 1,550,376 alleles (0.000065%); highest among the groups gnomAD compares: Non-Finnish European, 0.000087%; no homozygotes.

Submission:

Labcorp Genetics (formerly Invitae), Labcorp
Classification: Uncertain significance. Last evaluated: 2025-03-24. Review status: criteria provided, single submitter. Criteria: Invitae Variant Classification Sherloc (09022015). Collection method: clinical testing. Allele origin: germline.
Comment: This sequence change falls in intron 5 of the TCIRG1 gene. It does not directly change the encoded amino acid sequence of the TCIRG1 protein. It affects a nucleotide within the consensus splice site. This variant is not present in population databases (gnomAD no frequency). This variant has not been reported in the literature in individuals affected with TCIRG1-related conditions. Variants that disrupt the consensus splice site are a relatively common cause of aberrant splicing (PMID: 17576681, 9536098). Algorithms developed to predict the effect of sequence changes on RNA splicing suggest that this variant is not likely to affect RNA splicing. In summary, the available evidence is currently insufficient to determine the role of this variant in disease. Therefore, it has been classified as a Variant of Uncertain Significance.

Literature cited by the submitters: PubMed 17576681; PubMed 9536098.

NM_006019.4(TCIRG1):c.503+3G>A

Gene: TCIRG1 (T cell immune regulator 1, ATPase H+ transporting V0 subunit a3; plus strand). Cytogenetic location: 11q13.2.
Variant type: single nucleotide variant.
Coding change: c.503+3G>A on transcript NM_006019.4 (MANE Select); 3 bases into the intron after coding-DNA position 503, G replaced by A.
Molecular consequence: intron variant. On other transcripts: 5 prime UTR variant (2).
Genome position (GRCh38, 1-based): chr11:68,043,034, G>A. VCF-style: chr11-68043034-G-A. GRCh37 (hg19) VCF-style: chr11-67810501-G-A.
Other names: c.-744G>A (NM_001351059.2); c.-482G>A (NM_006053.4); c.503+3G>A (NM_001440552.1, NM_001440557.1, NM_001440559.1 and 5 more transcripts); c.417+171G>A (NM_001440561.1, NM_001440566.1, NM_001440562.1 and 1 more transcripts); c.461+3G>A (NM_001440555.1, NM_001440556.1, NM_001440563.1); c.203+3G>A (NM_001440565.1); c.375+171G>A (NM_001440564.1, NM_001440568.1).
Identifiers: ClinVar variation 4778036 (VCV004778036.1).